The following is an entry in ClinVar:

ClinVar aggregate classification (germline): Benign/Likely benign. Review status: criteria provided, multiple submitters, no conflicts (2 of 4 stars). 7 submissions from 7 submitters: Benign (2); Likely benign (5). Last evaluated 2026-02-02.

Conditions:
Neutral lipid storage myopathy (NLSDM). Also called: NEUTRAL LIPID STORAGE DISEASE WITHOUT ICHTHYOSIS. Identifiers: Orphanet 98908, MedGen C1853136, MONDO:0012545, OMIM 610717.

Allele frequency attached by ClinVar (database versions not stated): ESP Exome Variant Server 0.00167; TOPMed 0.01059; 1000 Genomes Project 0.01158; 1000 Genomes Project 30x 0.01202.
gnomAD v4.1: 2,915 of 1,542,572 alleles (0.19%); highest among the groups gnomAD compares: African/African-American, 3.2%; 44 homozygotes.

Submissions (7):

Labcorp Genetics (formerly Invitae), Labcorp
Classification: Benign for Neutral lipid storage myopathy. Last evaluated: 2026-02-02. Review status: criteria provided, single submitter. Criteria: Invitae Variant Classification Sherloc (09022015). Collection method: clinical testing. Allele origin: germline.

Blueprint Genetics
Classification: Likely benign. Last evaluated: 2024-11-13. Review status: criteria provided, single submitter. Criteria: ACMG Guidelines, 2015. Collection method: clinical testing. Allele origin: germline.

Mayo Clinic Laboratories, Mayo Clinic
Classification: Benign. Last evaluated: 2022-01-03. Review status: criteria provided, single submitter. Criteria: ACMG Guidelines, 2015. Collection method: clinical testing. Allele origin: germline. Observed: 15 variant alleles.
Comment: BA1, BP4

GeneDx
Classification: Likely benign. Last evaluated: 2020-02-03. Review status: criteria provided, single submitter. Criteria: GeneDx Variant Classification Process June 2021. Collection method: clinical testing. Allele origin: germline. Affected: yes.
Comment: This variant is associated with the following publications: (PMID: 21170305)

Illumina Laboratory Services, Illumina
Classification: Likely benign for Neutral lipid storage myopathy. Last evaluated: 2017-04-27. Review status: criteria provided, single submitter. Criteria: ICSL Variant Classification Criteria 13 December 2019. Collection method: clinical testing. Allele origin: germline.
Comment: This variant was observed as part of a predisposition screen in an ostensibly healthy population. A literature search was performed for the gene, cDNA change, and amino acid change (where applicable). Publications were found based on this search. The evidence from the literature, in combination with allele frequency data from public databases where available, was sufficient to determine this variant is unlikely to cause disease. Therefore, this variant is classified as likely benign.

Breakthrough Genomics
Classification: Likely benign. Review status: criteria provided, single submitter. Criteria: ACMG Guidelines, 2015. Collection method: not provided. Allele origin: germline. Inheritance: Autosomal recessive inheritance. Affected: yes.

PreventionGenetics, part of Exact Sciences
Classification: Likely benign. Review status: criteria provided, single submitter. Criteria: ACMG Guidelines, 2015. Collection method: clinical testing. Allele origin: germline.

Literature cited by the submitters: PubMed 21170305 (cited by Illumina Laboratory Services, Illumina).

NM_020376.4(PNPLA2):c.1430C>G (p.Pro477Arg)

Gene: PNPLA2 (patatin like domain 2, triacylglycerol lipase; plus strand). Cytogenetic location: 11p15.5.
Variant type: single nucleotide variant.
Coding change: c.1430C>G on transcript NM_020376.4 (MANE Select); coding-DNA position 1430, C replaced by G.
Protein change: p.Pro477Arg; replaces proline 477 with arginine.
Molecular consequence: missense variant.
Genome position (GRCh38, 1-based): chr11:824,777, C>G. VCF-style: chr11-824777-C-G. GRCh37 (hg19) VCF-style: chr11-824777-C-G.
Other names: p.Pro477Arg; short protein forms P477R.
Identifiers: ClinVar variation 261234 (VCV000261234.21), dbSNP rs142588621, ClinGen allele CA5791409.
Genomic context (GRCh38, chr11:824,777, plus strand): 5'-AAGCTCTGCGCATGCGCGCACCCGCCGACCCGGCTCCCGCCCCCGCGGACCCAGCATCCC[C>G]GCAGCACCAGCTGGCCGGGCCTGCCCCCTTGCTGAGCACCCCTGCTCCCGAGGCCCGGCC-3'
Protein context (NP_065109.1, residues 467-487): PAPAPADPAS[Pro477Arg]QHQLAGPAPL